The following is an entry in ClinVar:

ClinVar aggregate classification (germline): Uncertain significance (1 of 4 stars; one submission).

Conditions:
Encephalopathy, acute, infection-induced (herpes-specific), susceptibility to, 1. Also called: Herpes simplex encephalitis, susceptibility to, 1. Identifiers: Orphanet 1930, MedGen C2750180, MONDO:0024563, OMIM 610551.

Submission:

Labcorp Genetics (formerly Invitae), Labcorp
Classification: Uncertain significance for Encephalopathy, acute, infection-induced (herpes-specific), susceptibility to, 1. Last evaluated: 2024-05-15. Review status: criteria provided, single submitter. Criteria: Invitae Variant Classification Sherloc (09022015). Collection method: clinical testing. Allele origin: germline.
Comment: This sequence change replaces glutamic acid, which is acidic and polar, with lysine, which is basic and polar, at codon 553 of the UNC93B1 protein (p.Glu553Lys). This variant is not present in population databases (gnomAD no frequency). This variant has not been reported in the literature in individuals affected with UNC93B1-related conditions. ClinVar contains an entry for this variant (Variation ID: 644480). Experimental studies and prediction algorithms are not available or were not evaluated, and the functional significance of this variant is currently unknown. In summary, the available evidence is currently insufficient to determine the role of this variant in disease. Therefore, it has been classified as a Variant of Uncertain Significance.

NM_030930.4(UNC93B1):c.1657G>A (p.Glu553Lys)

Gene: UNC93B1 (unc-93B1 regulator of TLR signaling; minus strand). Cytogenetic location: 11q13.2.
Variant type: single nucleotide variant.
Coding change: c.1657G>A on transcript NM_030930.4 (MANE Select); coding-DNA position 1657, G replaced by A.
Protein change: p.Glu553Lys; replaces glutamic acid 553 with lysine.
Molecular consequence: missense variant.
Genome position (GRCh38, 1-based): chr11:67,991,683, C>T on the plus strand (G>A on the coding strand, the complement: UNC93B1 is on the minus strand). VCF-style: chr11-67991683-C-T. GRCh37 (hg19) VCF-style: chr11-67759154-C-T.
Other names: short protein forms E553K.
Identifiers: ClinVar variation 644480 (VCV000644480.6), dbSNP rs1433957500, ClinGen allele CA381567138.